The following is an entry in ClinVar:

NM_000313.4(PROS1):c.1465G>A (p.Gly489Arg)

Gene: PROS1 (protein S; minus strand). Cytogenetic location: 3q11.1.
Variant type: single nucleotide variant.
Coding change: c.1465G>A on transcript NM_000313.4 (MANE Select); coding-DNA position 1465, G replaced by A.
Protein change: p.Gly489Arg; replaces glycine 489 with arginine.
Molecular consequence: missense variant.
Genome position (GRCh38, 1-based): chr3:93,884,755, C>T on the plus strand (G>A on the coding strand, the complement: PROS1 is on the minus strand). VCF-style: chr3-93884755-C-T. GRCh37 (hg19) VCF-style: chr3-93603599-C-T.
Other names: p.Gly489Arg; c.1561G>A, p.Gly521Arg (NM_001314077.2); short protein forms G489R, G521R.
Identifiers: ClinVar variation 2682837 (VCV002682837.2), dbSNP rs762438750, ClinGen allele CA2503187.

ClinVar aggregate classification (germline): Uncertain significance. Review status: criteria provided, multiple submitters, no conflicts (2 of 4 stars). 2 submissions from 2 submitters: Uncertain significance (2). Last evaluated 2026-01-21.

Conditions:
Thrombophilia due to protein S deficiency, autosomal recessive (THPH6). Identifiers: Orphanet 743, MedGen C3281092, MONDO:0013791, OMIM 614514. Disease mechanism: loss of function.

Allele frequency attached by ClinVar (database versions not stated): TOPMed below 0.00001; ExAC 0.00001; gnomAD 0.00001.
gnomAD v4.1: 3 of 1,613,562 alleles (0.00019%); highest among the groups gnomAD compares: African/African-American, 0.0027%; no homozygotes.

Submissions (2):

Labcorp Genetics (formerly Invitae), Labcorp
Classification: Uncertain significance for Thrombophilia due to protein S deficiency, autosomal recessive. Last evaluated: 2026-01-21. Review status: criteria provided, single submitter. Criteria: Invitae Variant Classification Sherloc (09022015). Collection method: clinical testing. Allele origin: germline.
Comment: This sequence change replaces glycine, which is neutral and non-polar, with arginine, which is basic and polar, at codon 489 of the PROS1 protein (p.Gly489Arg). This variant is present in population databases (rs762438750, gnomAD 0.007%). This missense change has been observed in individual(s) with protein S deficiency disease (PMID: 28607330). ClinVar contains an entry for this variant (Variation ID: 2682837). Invitae Evidence Modeling of protein sequence and biophysical properties (such as structural, functional, and spatial information, amino acid conservation, physicochemical variation, residue mobility, and thermodynamic stability) indicates that this missense variant is expected to disrupt PROS1 protein function with a positive predictive value of 80%. In summary, the available evidence is currently insufficient to determine the role of this variant in disease. Therefore, it has been classified as a Variant of Uncertain Significance.

Mayo Clinic Laboratories, Mayo Clinic
Classification: Uncertain significance. Last evaluated: 2022-11-21. Review status: criteria provided, single submitter. Criteria: ACMG Guidelines, 2015. Collection method: clinical testing. Allele origin: germline. Observed: 1 variant allele.
Comment: PP3, PM1, PM2

Literature cited by the submitters: PubMed 28607330 (cited by Labcorp Genetics (formerly Invitae), Labcorp).